The following is an entry in ClinVar:

NM_000687.4(AHCY):c.793G>A (p.Ala265Thr)

Gene: AHCY (adenosylhomocysteinase; minus strand). Cytogenetic location: 20q11.22.
Variant type: single nucleotide variant.
Coding change: c.793G>A on transcript NM_000687.4 (MANE Select); coding-DNA position 793, G replaced by A.
Protein change: p.Ala265Thr; replaces alanine 265 with threonine.
Molecular consequence: missense variant.
Genome position (GRCh38, 1-based): chr20:34,290,612, C>T on the plus strand (G>A on the coding strand, the complement: AHCY is on the minus strand). VCF-style: chr20-34290612-C-T. GRCh37 (hg19) VCF-style: chr20-32878418-C-T.
Other names: c.709G>A, p.Ala237Thr (NM_001161766.2, NM_001322084.2, NM_001322085.2); c.799G>A, p.Ala267Thr (NM_001322086.2); c.793G>A, p.Ala265Thr (NM_001362750.2); short protein forms A237T, A265T, A267T.
Identifiers: ClinVar variation 2086360 (VCV002086360.4), dbSNP rs2515174113, ClinGen allele CA408657374.

ClinVar aggregate classification (germline): Uncertain significance (1 of 4 stars; one submission).

Conditions:
Hypermethioninemia with deficiency of S-adenosylhomocysteine hydrolase. Identifiers: Orphanet 88618, MedGen C3151058, MONDO:0013404, OMIM 613752.

Allele frequency attached by ClinVar (database versions not stated): gnomAD exomes below 0.00001.
gnomAD v4.1: 1 of 1,614,194 alleles (0.000062%); highest among the groups gnomAD compares: Admixed American, 0.0017%; no homozygotes.

Submission:

Labcorp Genetics (formerly Invitae), Labcorp
Classification: Uncertain significance for Hypermethioninemia with deficiency of S-adenosylhomocysteine hydrolase. Last evaluated: 2024-10-29. Review status: criteria provided, single submitter. Criteria: Invitae Variant Classification Sherloc (09022015). Collection method: clinical testing. Allele origin: germline.
Comment: This sequence change replaces alanine, which is neutral and non-polar, with threonine, which is neutral and polar, at codon 265 of the AHCY protein (p.Ala265Thr). This variant is not present in population databases (gnomAD no frequency). This variant has not been reported in the literature in individuals affected with AHCY-related conditions. ClinVar contains an entry for this variant (Variation ID: 2086360). Invitae Evidence Modeling of protein sequence and biophysical properties (such as structural, functional, and spatial information, amino acid conservation, physicochemical variation, residue mobility, and thermodynamic stability) has been performed for this missense variant. However, the output from this modeling did not meet the statistical confidence thresholds required to predict the impact of this variant on AHCY protein function. In summary, the available evidence is currently insufficient to determine the role of this variant in disease. Therefore, it has been classified as a Variant of Uncertain Significance.